The following is an entry in ClinVar:

NM_001242896.3(DEPDC5):c.3870G>T (p.Gln1290His)

Gene: DEPDC5 (DEP domain containing 5, GATOR1 subcomplex subunit; plus strand). Cytogenetic location: 22q12.3.
Variant type: single nucleotide variant.
Coding change: c.3870G>T on transcript NM_001242896.3 (MANE Select); coding-DNA position 3870, G replaced by T.
Protein change: p.Gln1290His; replaces glutamine 1290 with histidine.
Molecular consequence: missense variant. On other transcripts: non-coding transcript variant (5).
Genome position (GRCh38, 1-based): chr22:31,879,589, G>T. VCF-style: chr22-31879589-G-T. GRCh37 (hg19) VCF-style: chr22-32275575-G-T.
Other names: c.3843G>T, p.Gln1281His (NM_001136029.4); c.3570G>T, p.Gln1190His (NM_001242897.2); c.3804G>T, p.Gln1268His (NM_001363852.2, NM_001364320.2); c.3636G>T, p.Gln1212His (NM_001363854.2, NM_001364319.2); c.3870G>T, p.Gln1290His (NM_001364318.2); c.3786G>T, p.Gln1262His (NM_001369901.1, NM_001369902.1); c.3777G>T, p.Gln1259His (NM_001369903.1, NM_014662.6); short protein forms Q1190H, Q1212H, Q1259H, Q1262H, Q1268H, Q1281H, Q1290H.
Identifiers: ClinVar variation 4075710 (VCV004075710.1).

ClinVar aggregate classification (germline): Uncertain significance (1 of 4 stars; one submission).

Submission:

GeneDx
Classification: Uncertain significance. Last evaluated: 2025-02-14. Review status: criteria provided, single submitter. Criteria: GeneDx Variant Classification Process June 2021. Collection method: clinical testing. Allele origin: germline. Affected: yes.
Comment: Not observed at significant frequency in large population cohorts (gnomAD); In silico analysis indicates that this missense variant does not alter protein structure/function; Has not been previously published as pathogenic or benign to our knowledge